The following is an entry in ClinVar:

GRCh37/hg19 10q11.22-11.23(chr10:46544810-51743471)

Genes: AGAP10 (ArfGAP with GTPase domain, ankyrin repeat and PH domain 10), AGAP9 (ArfGAP with GTPase domain, ankyrin repeat and PH domain 9; minus strand), ANXA8 (annexin A8; minus strand), ANXA8L1 (annexin A8 like 1; plus strand), ARHGAP22 (Rho GTPase activating protein 22; minus strand) and 29 more. Cytogenetic location: 10q11.22-11.23.
Variant type: copy number loss.
Identifiers: ClinVar variation 625649 (VCV000625649.1).

ClinVar aggregate classification (germline): Pathogenic (1 of 4 stars; one submission).

Submission:

Baylor Genetics
Classification: Pathogenic. Last evaluated: 2018-11-01. Review status: criteria provided, single submitter. Criteria: ACMG CNV Guidelines, 2011. Collection method: clinical testing. Allele origin: maternal. Observed: 2 variant alleles.
Comment: Deletions involving this region have been previously reported in patients with developmental delay and intellectual disability [PMID: 21948486]